The following is an entry in ClinVar:

ClinVar aggregate classification (germline): Uncertain significance (1 of 4 stars; one submission).

Conditions:
Hepatic veno-occlusive disease-immunodeficiency syndrome. Also called: Hepatic Veno-Occlusive Disease with Immunodeficiency. Identifiers: Orphanet 79124, MedGen C1856128, MONDO:0009338, OMIM 235550. Disease mechanism: loss of function.

Allele frequency attached by ClinVar (database versions not stated): ExAC 0.00001; gnomAD 0.00001; gnomAD exomes 0.00002; TOPMed 0.00003; ESP Exome Variant Server 0.00015.
gnomAD v4.1: 23 of 1,614,016 alleles (0.0014%); highest among the groups gnomAD compares: Non-Finnish European, 0.0019%; no homozygotes.

Submission:

Labcorp Genetics (formerly Invitae), Labcorp
Classification: Uncertain significance for Hepatic veno-occlusive disease-immunodeficiency syndrome. Last evaluated: 2021-09-01. Review status: criteria provided, single submitter. Criteria: Invitae Variant Classification Sherloc (09022015). Collection method: clinical testing. Allele origin: germline.
Comment: This sequence change replaces cysteine with tyrosine at codon 419 of the SP110 protein (p.Cys419Tyr). The cysteine residue is weakly conserved and there is a large physicochemical difference between cysteine and tyrosine. This variant is present in population databases (rs200721134, ExAC 0.001%). This variant has not been reported in the literature in individuals affected with SP110-related conditions. Algorithms developed to predict the effect of missense changes on protein structure and function are either unavailable or do not agree on the potential impact of this missense change (SIFT: "Deleterious"; PolyPhen-2: "Probably Damaging"; Align-GVGD: "Class C0"). In summary, the available evidence is currently insufficient to determine the role of this variant in disease. Therefore, it has been classified as a Variant of Uncertain Significance.

NM_080424.4(SP110):c.1256G>A (p.Cys419Tyr)

Gene: SP110 (SP110 nuclear body protein; minus strand). Cytogenetic location: 2q37.1.
Variant type: single nucleotide variant.
Coding change: c.1256G>A on transcript NM_080424.4 (MANE Select); coding-DNA position 1256, G replaced by A.
Protein change: p.Cys419Tyr; replaces cysteine 419 with tyrosine.
Molecular consequence: missense variant.
Genome position (GRCh38, 1-based): chr2:230,186,017, C>T on the plus strand (G>A on the coding strand, the complement: SP110 is on the minus strand). VCF-style: chr2-230186017-C-T. GRCh37 (hg19) VCF-style: chr2-231050733-C-T.
Other names: c.1274G>A, p.Cys425Tyr (NM_001185015.2, NM_001378442.1, NM_001378444.1 and 2 more transcripts); c.1256G>A, p.Cys419Tyr (NM_001378443.1, NM_004509.5, NM_004510.4); c.1106G>A, p.Cys369Tyr (NM_001378447.1); short protein forms C425Y, C419Y, C369Y.
Identifiers: ClinVar variation 661779 (VCV000661779.6), dbSNP rs200721134, ClinGen allele CA2154582.